The following is an entry in ClinVar:

ClinVar aggregate classification (germline): Likely benign. Review status: criteria provided, multiple submitters, no conflicts (2 of 4 stars). 2 submissions from 2 submitters: Likely benign (2). Last evaluated 2025-03-01.

gnomAD v4.1: 166 of 952,119 alleles (0.017%); highest among the groups gnomAD compares: Non-Finnish European, 0.023%; no homozygotes.

Submissions (2):

CeGaT Center for Human Genetics Tuebingen
Classification: Likely benign. Last evaluated: 2025-03-01. Review status: criteria provided, single submitter. Criteria: CeGaT Center For Human Genetics Tuebingen Variant Classification Criteria Version 2. Collection method: clinical testing. Allele origin: germline. Affected: yes. Observed: 1 variant allele.
Comment: BRWD3: BS2

Blueprint Genetics
Classification: Likely benign. Last evaluated: 2024-11-26. Review status: criteria provided, single submitter. Criteria: ACMG Guidelines, 2015. Collection method: clinical testing. Allele origin: germline.

NM_153252.5(BRWD3):c.814-17A>G

Gene: BRWD3 (bromodomain and WD repeat domain containing 3; minus strand). Cytogenetic location: Xq21.1.
Variant type: single nucleotide variant.
Coding change: c.814-17A>G on transcript NM_153252.5 (MANE Select); 17 bases into the intron before coding-DNA position 814, A replaced by G.
Molecular consequence: intron variant.
Genome position (GRCh38, 1-based): chrX:80,736,105, T>C on the plus strand (A>G on the coding strand, the complement: BRWD3 is on the minus strand). VCF-style: chrX-80736105-T-C. GRCh37 (hg19) VCF-style: chrX-79991604-T-C.
Identifiers: ClinVar variation 3777834 (VCV003777834.8).